The following is an entry in ClinVar:

ClinVar aggregate classification (germline): Uncertain significance (1 of 4 stars; one submission).

gnomAD v4.1: 3 of 1,613,770 alleles (0.00019%); highest among the groups gnomAD compares: Non-Finnish European, 0.00025%; no homozygotes.

Submission:

GeneDx
Classification: Uncertain significance. Last evaluated: 2024-12-06. Review status: criteria provided, single submitter. Criteria: GeneDx Variant Classification Process June 2021. Collection method: clinical testing. Allele origin: germline. Affected: yes.
Comment: Not observed at significant frequency in large population cohorts (gnomAD); In silico analysis supports that this missense variant has a deleterious effect on protein structure/function; Has not been previously published as pathogenic or benign to our knowledge

NM_001384140.1(PCDH15):c.212C>A (p.Pro71His)

Gene: PCDH15 (protocadherin related 15; minus strand). Cytogenetic location: 10q21.1.
Variant type: single nucleotide variant.
Coding change: c.212C>A on transcript NM_001384140.1 (MANE Select); coding-DNA position 212, C replaced by A.
Protein change: p.Pro71His; replaces proline 71 with histidine.
Molecular consequence: missense variant.
Genome position (GRCh38, 1-based): chr10:54,378,888, G>T on the plus strand (C>A on the coding strand, the complement: PCDH15 is on the minus strand). VCF-style: chr10-54378888-G-T. GRCh37 (hg19) VCF-style: chr10-56138648-G-T.
Other names: c.227C>A, p.Pro76His (NM_001142763.2, NM_001142769.4, NM_001142771.2); c.212C>A, p.Pro71His (NM_001142764.2, NM_001142765.2, NM_001142766.2 and 8 more transcripts); c.146C>A, p.Pro49His (NM_001142768.2, NM_001142773.2, NM_001354404.2); short protein forms P49H, P71H, P76H.
Identifiers: ClinVar variation 3901811 (VCV003901811.1).